The following is an entry in ClinVar:

ClinVar aggregate classification (germline): Uncertain significance (1 of 4 stars; one submission).

gnomAD v4.1: 3 of 1,613,674 alleles (0.00019%); highest among the groups gnomAD compares: Non-Finnish European, 0.00025%; no homozygotes.

Submission:

Ambry Genetics
Classification: Uncertain significance. Last evaluated: 2025-09-01. Review status: criteria provided, single submitter. Criteria: Ambry Variant Classification Scheme 2023. Collection method: clinical testing. Allele origin: germline.
Comment: The p.F696L variant (also known as c.2088C>G), located in coding exon 14 of the RINT1 gene, results from a C to G substitution at nucleotide position 2088. The phenylalanine at codon 696 is replaced by leucine, an amino acid with highly similar properties. This amino acid position is conserved. In addition, this alteration is predicted to be deleterious by in silico analysis. Based on the available evidence, the clinical significance of this variant remains unclear.

NM_021930.6(RINT1):c.2088C>G (p.Phe696Leu)

Genes: EFCAB10 (EF-hand calcium binding domain 10; minus strand), RINT1 (RAD50 interactor 1; plus strand). Cytogenetic location: 7q22.3.
Variant type: single nucleotide variant.
Coding change: c.2088C>G on transcript NM_021930.6 (MANE Select); coding-DNA position 2088, C replaced by G.
Protein change: p.Phe696Leu; replaces phenylalanine 696 with leucine.
Molecular consequence: missense variant. On other transcripts: stop lost (1), non-coding transcript variant (1), intron variant (2).
Genome position (GRCh38, 1-based): chr7:105,565,550, C>G. VCF-style: chr7-105565550-C-G. GRCh37 (hg19) VCF-style: chr7-105205997-C-G.
Other names: c.449G>C, p.Ter150Ser (NM_001355530.2); c.1854C>G, p.Phe618Leu (NM_001346599.2); c.1065C>G, p.Phe355Leu (NM_001346600.2, NM_001346603.2); c.1164C>G, p.Phe388Leu (NM_001346601.2); c.360-103G>C (NM_001355531.2); c.384-103G>C (NM_001355526.2); short protein forms F388L, F355L, F618L, F696L.
Identifiers: ClinVar variation 4154580 (VCV004154580.1).